The following is an entry in ClinVar:

ClinVar aggregate classification (germline): Likely benign (0 of 4 stars; one submission).

Conditions:
GABRB1-related disorder. Also called: GABRB1-related condition.

Allele frequency attached by ClinVar (database versions not stated): TOPMed below 0.00001.
gnomAD v4.1: 1 of 1,607,460 alleles (0.000062%); highest among the groups gnomAD compares: Non-Finnish European, 0.000085%; no homozygotes.

Submission:

PreventionGenetics, part of Exact Sciences
Classification: Likely benign for GABRB1-related condition. Last evaluated: 2019-06-13. Review status: no assertion criteria provided. Collection method: clinical testing. Allele origin: germline.
Comment: This variant is classified as likely benign based on ACMG/AMP sequence variant interpretation guidelines (Richards et al. 2015 PMID: 25741868, with internal and published modifications).

NM_000812.4(GABRB1):c.1389T>G (p.Leu463=)

Gene: GABRB1 (gamma-aminobutyric acid type A receptor subunit beta1; plus strand). Cytogenetic location: 4p12.
Variant type: single nucleotide variant.
Coding change: c.1389T>G on transcript NM_000812.4 (MANE Select); coding-DNA position 1389, T replaced by G.
Protein change: p.Leu463=; no amino-acid change (leucine 463 retained).
Molecular consequence: synonymous variant.
Genome position (GRCh38, 1-based): chr4:47,425,982, T>G. VCF-style: chr4-47425982-T-G. GRCh37 (hg19) VCF-style: chr4-47427999-T-G.
Identifiers: ClinVar variation 3034090 (VCV003034090.2), dbSNP rs1243699366, ClinGen allele CA439400972.